The following is an entry in ClinVar:

ClinVar aggregate classification (germline): Conflicting classifications of pathogenicity. Review status: criteria provided, conflicting classifications (1 of 4 stars). 2 submissions from 2 submitters: Uncertain significance (1); Likely benign (1). Last evaluated 2024-05-13.

Conditions:
Hereditary cancer-predisposing syndrome. Also called: Tumor predisposition; Neoplastic Syndromes, Hereditary; Hereditary neoplastic syndrome; Hereditary Cancer Syndrome. Identifiers: Orphanet 140162, MedGen C0027672, MeSH D009386, MONDO:0015356.
Hereditary breast ovarian cancer syndrome. Also called: BRCA1- and BRCA2-Associated Hereditary Breast and Ovarian Cancer; Hereditary breast and/or ovarian cancer syndrome; Hereditary breast and ovarian cancer syndrome; Hereditary breast and ovarian cancer; Hereditary breast and ovarian cancer syndrome (HBOC); Breast and ovarian cancer. Identifiers: Orphanet 145, MedGen C0677776, MeSH D061325, MONDO:0003582. Disease mechanism: loss of function.

Allele frequency attached by ClinVar (database versions not stated): ExAC 0.00001.
gnomAD v4.1: 1 of 1,612,204 alleles (0.000062%); no homozygotes.

Submissions (2):

Labcorp Genetics (formerly Invitae), Labcorp
Classification: Uncertain significance for Hereditary breast ovarian cancer syndrome. Last evaluated: 2024-05-13. Review status: criteria provided, single submitter. Criteria: Invitae Variant Classification Sherloc (09022015). Collection method: clinical testing. Allele origin: germline.
Comment: This sequence change replaces aspartic acid, which is acidic and polar, with histidine, which is basic and polar, at codon 1033 of the BRCA2 protein (p.Asp1033His). This variant is present in population databases (rs780279081, gnomAD no frequency). This variant has not been reported in the literature in individuals affected with BRCA2-related conditions. ClinVar contains an entry for this variant (Variation ID: 1017168). Advanced modeling of protein sequence and biophysical properties (such as structural, functional, and spatial information, amino acid conservation, physicochemical variation, residue mobility, and thermodynamic stability) performed at Invitae indicates that this missense variant is not expected to disrupt BRCA2 protein function with a negative predictive value of 95%. In summary, the available evidence is currently insufficient to determine the role of this variant in disease. Therefore, it has been classified as a Variant of Uncertain Significance.

University of Washington Department of Laboratory Medicine, University of Washington
Classification: Likely benign for Hereditary cancer-predisposing syndrome. Last evaluated: 2023-03-23. Review status: criteria provided, single submitter. Criteria: Dines et al. (Genet Med. 2020). Collection method: curation. Allele origin: germline.
Comment: Missense variant in a coldspot region where missense variants are very unlikely to be pathogenic (PMID:31911673).

BRCA2 exon 11 coldspot. Reclassification based on statistical prior probability.

NM_000059.4(BRCA2):c.3097G>C (p.Asp1033His)

Gene: BRCA2 (BRCA2 DNA repair associated; plus strand). Cytogenetic location: 13q13.1.
Variant type: single nucleotide variant.
Coding change: c.3097G>C on transcript NM_000059.4 (MANE Select); coding-DNA position 3097, G replaced by C.
Protein change: p.Asp1033His; replaces aspartic acid 1033 with histidine.
Molecular consequence: missense variant.
Genome position (GRCh38, 1-based): chr13:32,337,452, G>C. VCF-style: chr13-32337452-G-C. GRCh37 (hg19) VCF-style: chr13-32911589-G-C.
Other names: short protein forms D1033H.
Identifiers: ClinVar variation 1017168 (VCV001017168.10), dbSNP rs780279081, ClinGen allele CA6940665.